The following is an entry in ClinVar:

ClinVar aggregate classification (germline): Benign. Review status: criteria provided, multiple submitters, no conflicts (2 of 4 stars). 9 submissions from 7 submitters: Benign (9). Last evaluated 2026-01-27.

Conditions:
Hereditary spherocytosis type 4. Also called: SLC4A1-Related Spherocytosis. Identifiers: Orphanet 822, MedGen C2675212, MONDO:0012981, OMIM 612653.
Hemolytic anemia. Identifiers: MedGen C0002878, MONDO:0003664, HP:0001878.
Autosomal dominant distal renal tubular acidosis (DRTA1). Also called: Renal Tubular Acidosis, Type I; RENAL TUBULAR ACIDOSIS, DISTAL, 1; RTA, CLASSIC TYPE; RTA, DISTAL TYPE, AUTOSOMAL DOMINANT; RTA, GRADIENT TYPE. Identifiers: Orphanet 93608, MedGen CN280572, MONDO:0008368, OMIM 179800.

Allele frequency attached by ClinVar (database versions not stated): gnomAD exomes 0.00163 and 0.00462; ExAC 0.00565; gnomAD 0.01765 and 0.01896; 1000 Genomes Project 0.01777; 1000 Genomes Project 30x 0.01921; TOPMed 0.01991; ESP Exome Variant Server 0.02107.
gnomAD v4.1: 5,166 of 1,613,688 alleles (0.32%); highest among the groups gnomAD compares: African/African-American, 6.1%; 152 homozygotes.

Submissions (9):

Labcorp Genetics (formerly Invitae), Labcorp
Classification: Benign. Last evaluated: 2026-01-27. Review status: criteria provided, single submitter. Criteria: Invitae Variant Classification Sherloc (09022015). Collection method: clinical testing. Allele origin: germline.

ARUP Laboratories, Molecular Genetics and Genomics, ARUP Laboratories
Classification: Benign. Last evaluated: 2025-03-05. Review status: criteria provided, single submitter. Criteria: ARUP Molecular Germline Variant Investigation Process 2024. Collection method: clinical testing. Allele origin: germline.

Mayo Clinic Laboratories, Mayo Clinic
Classification: Benign. Last evaluated: 2023-07-06. Review status: criteria provided, single submitter. Criteria: ACMG Guidelines, 2015. Collection method: clinical testing. Allele origin: germline. Observed: 56 variant alleles.
Comment: BS1, BS2, BP4, BP7

GeneDx
Classification: Benign. Last evaluated: 2020-09-11. Review status: criteria provided, single submitter. Criteria: GeneDx Variant Classification Process June 2021. Collection method: clinical testing. Allele origin: germline. Affected: yes.

Illumina Laboratory Services, Illumina
Classification: Benign for Hereditary spherocytosis type 4. Last evaluated: 2018-01-12. Review status: criteria provided, single submitter. Criteria: ICSL Variant Classification Criteria 13 December 2019. Collection method: clinical testing. Allele origin: germline.
Comment: This variant was observed in the ICSL laboratory as part of a predisposition screen in an ostensibly healthy population. It had not been previously curated by ICSL or reported in the Human Gene Mutation Database (HGMD: prior to June 1st, 2018), and was therefore a candidate for classification through an automated scoring system. Utilizing variant allele frequency, disease prevalence and penetrance estimates, and inheritance mode, an automated score was calculated to assess if this variant is too frequent to cause the disease. Based on the score and internal cut-off values, a variant classified as benign is not then subjected to further curation. The score for this variant resulted in a classification of benign for this disease.

Illumina Laboratory Services, Illumina
Classification: Benign for Hemolytic anemia. Last evaluated: 2018-01-12. Review status: criteria provided, single submitter. Criteria: ICSL Variant Classification Criteria 13 December 2019. Collection method: clinical testing. Allele origin: germline.
Comment: the same text as in the submission from Illumina Laboratory Services, Illumina above.

Illumina Laboratory Services, Illumina
Classification: Benign for Autosomal dominant distal renal tubular acidosis. Last evaluated: 2018-01-12. Review status: criteria provided, single submitter. Criteria: ICSL Variant Classification Criteria 13 December 2019. Collection method: clinical testing. Allele origin: germline.
Comment: the same text as in the submission from Illumina Laboratory Services, Illumina above.

Breakthrough Genomics
Classification: Benign. Review status: criteria provided, single submitter. Criteria: ACMG Guidelines, 2015. Collection method: not provided. Allele origin: germline. Inheritance: Autosomal recessive inheritance. Affected: yes.

PreventionGenetics, part of Exact Sciences
Classification: Benign. Review status: criteria provided, single submitter. Criteria: ACMG Guidelines, 2015. Collection method: clinical testing. Allele origin: germline.

NM_000342.4(SLC4A1):c.2688T>C (p.Asp896=)

Gene: SLC4A1 (solute carrier family 4 member 1 (Diego blood group); minus strand). Cytogenetic location: 17q21.31.
Variant type: single nucleotide variant.
Coding change: c.2688T>C on transcript NM_000342.4 (MANE Select); coding-DNA position 2688, T replaced by C.
Protein change: p.Asp896=; no amino-acid change (aspartic acid 896 retained).
Molecular consequence: synonymous variant.
Genome position (GRCh38, 1-based): chr17:44,250,506, A>G on the plus strand (T>C on the coding strand, the complement: SLC4A1 is on the minus strand). VCF-style: chr17-44250506-A-G. GRCh37 (hg19) VCF-style: chr17-42327874-A-G.
Other names: p.Asp896=.
Identifiers: ClinVar variation 255912 (VCV000255912.32), dbSNP rs45497993, ClinGen allele CA8599953.
Genomic context (GRCh38, chr17:44,250,506, plus strand): 5'-TGGGCCCGCCCCTCACACAGGCATGGCCACTTCGTCGTATTCATCCCGACCTTCCTCCTC[A>G]TCAAAGGTTGCCTTGGCATCATCAGCATCCAGCTGGAGGGGAGGGACAGGAGAGAGACAG-3'
Protein context (NP_000333.1, residues 886-906): LDADDAKATF[Asp896=]EEEGRDEYDE